The following is an entry in ClinVar:

ClinVar aggregate classification (germline): Conflicting classifications of pathogenicity. Review status: criteria provided, conflicting classifications (1 of 4 stars). 5 submissions from 5 submitters: Uncertain significance (4); Benign (1). Last evaluated 2026-02-06.

Conditions:
Hereditary cancer-predisposing syndrome. Also called: Tumor predisposition; Hereditary Cancer Syndrome; Hereditary neoplastic syndrome; Neoplastic Syndromes, Hereditary. Identifiers: Orphanet 140162, MedGen C0027672, MeSH D009386, MONDO:0015356.
Hereditary breast ovarian cancer syndrome. Also called: Hereditary breast and ovarian cancer syndrome (HBOC); Breast and ovarian cancer; Hereditary breast and ovarian cancer; Hereditary breast and ovarian cancer syndrome; BRCA1- and BRCA2-Associated Hereditary Breast and Ovarian Cancer; Hereditary breast and/or ovarian cancer syndrome. Identifiers: Orphanet 145, MedGen C0677776, MeSH D061325, MONDO:0003582. Disease mechanism: loss of function.
Familial cancer of breast. Also called: hereditary breast carcinoma; BREAST CANCER, FAMILIAL; Hereditary breast cancer. Identifiers: Orphanet 227535, MedGen C0346153, MONDO:0016419, OMIM 114480. Disease mechanism: loss of function.

gnomAD v4.1: 2 of 1,614,160 alleles (0.00012%); highest among the groups gnomAD compares: Middle Eastern, 0.016%; no homozygotes.

Submissions (5):

Women's Health and Genetics/Laboratory Corporation of America, LabCorp
Classification: Uncertain significance. Last evaluated: 2026-02-06. Review status: criteria provided, single submitter. Criteria: LabCorp Variant Classification Summary - May 2015. Collection method: clinical testing. Allele origin: germline.
Comment: Variant summary: BRCA2 c.8527A>C (p.Asn2843His) results in a conservative amino acid change in the encoded protein sequence. Algorithms developed to predict the effect of missense changes on protein structure and function are either unavailable or do not agree on the potential impact of this missense change. The variant was absent in 251166 control chromosomes. The available data on variant occurrences in the general population are insufficient to allow any conclusion about variant significance. c.8527A>C has been observed in individual(s) affected with Hereditary Breast And Ovarian Cancer Syndrome (Shohdy_2025). These report(s) do not provide unequivocal conclusions about association of the variant with Hereditary Breast And Ovarian Cancer Syndrome. To our knowledge, no experimental evidence demonstrating an impact on protein function has been reported. The following publication have been ascertained in the context of this evaluation (PMID: 40714512). ClinVar contains an entry for this variant (Variation ID: 481518). Based on the evidence outlined above, the variant was classified as uncertain significance.

Color Diagnostics, LLC DBA Color Health
Classification: Uncertain significance for Hereditary cancer-predisposing syndrome. Last evaluated: 2025-10-21. Review status: criteria provided, single submitter. Criteria: ACMG Guidelines, 2015. Collection method: clinical testing. Allele origin: germline.
Comment: This missense variant replaces asparagine with histidine at codon 2843 of the BRCA2 protein. Computational prediction suggests that this variant may not impact protein structure and function. Functional studies have reported that this variant does not impact BRCA2 in survival and sensitivity assays to cisplatin and PARP inhibitor and in a haploid cell proliferation assay (PMID: 39779848, 39779857). Multifactorial analysis reached a combined likelihood ratio (LR) of 1.818 based on personal and family history for 1 carrier (PMID: 31853058). This variant has been identified in 2/1461846 chromosomes in the general population by the Genome Aggregation Database (gnomAD). The available evidence is insufficient to determine the role of this variant in disease conclusively. Therefore, this variant is classified as a Variant of Uncertain Significance.

Ambry Genetics
Classification: Benign for Hereditary cancer-predisposing syndrome. Last evaluated: 2023-12-12. Review status: criteria provided, single submitter. Criteria: Ambry Variant Classification Scheme 2023. Collection method: clinical testing. Allele origin: germline.

Baylor Genetics
Classification: Uncertain significance for Familial cancer of breast. Last evaluated: 2023-11-08. Review status: criteria provided, single submitter. Criteria: ACMG Guidelines, 2015. Collection method: clinical testing. Allele origin: unknown.

Labcorp Genetics (formerly Invitae), Labcorp
Classification: Uncertain significance for Hereditary breast ovarian cancer syndrome. Last evaluated: 2023-06-16. Review status: criteria provided, single submitter. Criteria: Invitae Variant Classification Sherloc (09022015). Collection method: clinical testing. Allele origin: germline.
Comment: In summary, the available evidence is currently insufficient to determine the role of this variant in disease. Therefore, it has been classified as a Variant of Uncertain Significance. Advanced modeling of protein sequence and biophysical properties (such as structural, functional, and spatial information, amino acid conservation, physicochemical variation, residue mobility, and thermodynamic stability) performed at Invitae indicates that this missense variant is not expected to disrupt BRCA2 protein function. ClinVar contains an entry for this variant (Variation ID: 481518). This variant has not been reported in the literature in individuals affected with BRCA2-related conditions. This variant is not present in population databases (gnomAD no frequency). This sequence change replaces asparagine, which is neutral and polar, with histidine, which is basic and polar, at codon 2843 of the BRCA2 protein (p.Asn2843His).

Literature cited by the submitters: PubMed 40714512 (cited by Women's Health and Genetics/Laboratory Corporation of America, LabCorp); PubMed 31853058 (cited by Color Diagnostics, LLC DBA Color Health); PubMed 39779848 (cited by Color Diagnostics, LLC DBA Color Health); PubMed 39779857 (cited by Color Diagnostics, LLC DBA Color Health).

NM_000059.4(BRCA2):c.8527A>C (p.Asn2843His)

Gene: BRCA2 (BRCA2 DNA repair associated; plus strand). Cytogenetic location: 13q13.1.
Variant type: single nucleotide variant.
Coding change: c.8527A>C on transcript NM_000059.4 (MANE Select); coding-DNA position 8527, A replaced by C.
Protein change: p.Asn2843His; replaces asparagine 2843 with histidine.
Molecular consequence: missense variant.
Genome position (GRCh38, 1-based): chr13:32,370,995, A>C. VCF-style: chr13-32370995-A-C. GRCh37 (hg19) VCF-style: chr13-32945132-A-C.
Other names: short protein forms N2843H.
Identifiers: ClinVar variation 481518 (VCV000481518.13), dbSNP rs876660403, ClinGen allele CA387752728.
Genomic context (GRCh38, chr13:32,370,995, plus strand): 5'-GTGTGTAACACATTATTACAGTGGATGGAGAAGACATCATCTGGATTATACATATTTCGC[A>C]ATGAAAGAGAGGAAGAAAAGGAAGCAGCAAAATATGTGGAGGCCCAACAAAAGAGACTAG-3'
Protein context (NP_000050.3, residues 2833-2853): KTSSGLYIFR[Asn2843His]EREEEKEAAK